The following is an entry in ClinVar:

ClinVar aggregate classification (germline): Uncertain significance. Review status: criteria provided, multiple submitters, no conflicts (2 of 4 stars). 2 submissions from 2 submitters: Uncertain significance (2). Last evaluated 2020-11-30.

Conditions:
Cardiovascular phenotype. Identifiers: MedGen CN230736.
Catecholaminergic polymorphic ventricular tachycardia 1. Also called: RYR2-Related Catecholaminergic Polymorphic Ventricular Tachycardia; VENTRICULAR TACHYCARDIA, STRESS-INDUCED POLYMORPHIC 1; VENTRICULAR TACHYCARDIA, CATECHOLAMINERGIC POLYMORPHIC, 1, WITH OR WITHOUT ATRIAL DYSFUNCTION AND/OR DILATED CARDIOMYOPATHY. Identifiers: Orphanet 3286, MedGen C1631597, MONDO:0011484, OMIM 604772.

Submissions (2):

Ambry Genetics
Classification: Uncertain significance for Cardiovascular phenotype. Last evaluated: 2020-11-30. Review status: criteria provided, single submitter. Criteria: Ambry Variant Classification Scheme 2023. Collection method: clinical testing. Allele origin: germline.
Comment: The p.L1936I variant (also known as c.5806C>A), located in coding exon 38 of the RYR2 gene, results from a C to A substitution at nucleotide position 5806. The leucine at codon 1936 is replaced by isoleucine, an amino acid with highly similar properties. This amino acid position is well conserved in available vertebrate species; however, isoleucine is the reference amino acid in other vertebrate species. In addition, this alteration is predicted to be tolerated by in silico analysis. Since supporting evidence is limited at this time, the clinical significance of this alteration remains unclear.

Labcorp Genetics (formerly Invitae), Labcorp
Classification: Uncertain significance for Catecholaminergic polymorphic ventricular tachycardia 1. Last evaluated: 2020-11-13. Review status: criteria provided, single submitter. Criteria: Invitae Variant Classification Sherloc (09022015). Collection method: clinical testing. Allele origin: germline.
Comment: This variant has not been reported in the literature in individuals with RYR2-related conditions. This variant is not present in population databases (ExAC no frequency). This sequence change replaces leucine with isoleucine at codon 1936 of the RYR2 protein (p.Leu1936Ile). The leucine residue is highly conserved and there is a small physicochemical difference between leucine and isoleucine. Advanced modeling of protein sequence and biophysical properties (such as structural, functional, and spatial information, amino acid conservation, physicochemical variation, residue mobility, and thermodynamic stability) performed at Invitae indicates that this missense variant is not expected to disrupt RYR2 protein function. In summary, the available evidence is currently insufficient to determine the role of this variant in disease. Therefore, it has been classified as a Variant of Uncertain Significance.

NM_001035.3(RYR2):c.5806C>A (p.Leu1936Ile)

Gene: RYR2 (ryanodine receptor 2; plus strand). Cytogenetic location: 1q43.
Variant type: single nucleotide variant.
Coding change: c.5806C>A on transcript NM_001035.3 (MANE Select); coding-DNA position 5806, C replaced by A.
Protein change: p.Leu1936Ile; replaces leucine 1936 with isoleucine.
Molecular consequence: missense variant.
Genome position (GRCh38, 1-based): chr1:237,617,376, C>A. VCF-style: chr1-237617376-C-A. GRCh37 (hg19) VCF-style: chr1-237780676-C-A.
Other names: short protein forms L1936I.
Identifiers: ClinVar variation 1462547 (VCV001462547.11), dbSNP rs2148613988, ClinGen allele CA345407078.